The following is an entry in ClinVar:

ClinVar aggregate classification (germline): Pathogenic/Likely pathogenic. Review status: criteria provided, multiple submitters, no conflicts (2 of 4 stars). 3 submissions from 3 submitters: Pathogenic (1); Likely pathogenic (2). Last evaluated 2024-08-15.

Conditions:
Hereditary cancer-predisposing syndrome. Also called: Neoplastic Syndromes, Hereditary; Tumor predisposition; Hereditary Cancer Syndrome; Hereditary neoplastic syndrome. Identifiers: Orphanet 140162, MedGen C0027672, MeSH D009386, MONDO:0015356.
Nijmegen breakage syndrome-like disorder (NBSLD). Also called: MICROCEPHALY AND SPONTANEOUS CHROMOSOME INSTABILITY WITHOUT IMMUNODEFICIENCY; NBS-LIKE DISORDER; RAD50 DEFICIENCY. Identifiers: Orphanet 240760, MedGen C2751318, MONDO:0013118, OMIM 613078.

Allele frequency attached by ClinVar (database versions not stated): gnomAD exomes below 0.00001 and 0.00001; ExAC 0.00001.
gnomAD v4.1: 17 of 1,610,554 alleles (0.0011%); highest among the groups gnomAD compares: Non-Finnish European, 0.0014%; no homozygotes.

Submissions (3):

Ambry Genetics
Classification: Likely pathogenic for Hereditary cancer-predisposing syndrome. Last evaluated: 2024-08-15. Review status: criteria provided, single submitter. Criteria: Ambry Variant Classification Scheme 2023. Collection method: clinical testing. Allele origin: germline.
Comment: The c.3475+2T>C intronic variant results from a T to C substitution two nucleotides after coding exon 22 in the RAD50 gene. This nucleotide position is highly conserved in available vertebrate species. In silico splice site analysis for this alteration is inconclusive; however, direct evidence is unavailable. Alterations that disrupt the canonical splice site are expected to cause aberrant splicing, resulting in an abnormal protein or a transcript that is subject to nonsense-mediated mRNA decay. Based on the majority of available evidence to date, this variant is likely to be pathogenic.

Labcorp Genetics (formerly Invitae), Labcorp
Classification: Likely pathogenic for Hereditary cancer-predisposing syndrome. Last evaluated: 2023-10-28. Review status: criteria provided, single submitter. Criteria: Invitae Variant Classification Sherloc (09022015). Collection method: clinical testing. Allele origin: germline.
Comment: This sequence change affects a donor splice site in intron 22 of the RAD50 gene. It is expected to disrupt RNA splicing. Variants that disrupt the donor or acceptor splice site typically lead to a loss of protein function (PMID: 16199547), and loss-of-function variants in RAD50 are known to be pathogenic (PMID: 19409520). This variant is present in population databases (rs761168506, gnomAD 0.003%). This variant has not been reported in the literature in individuals affected with RAD50-related conditions. ClinVar contains an entry for this variant (Variation ID: 232444). Algorithms developed to predict the effect of sequence changes on RNA splicing suggest that this variant may disrupt the consensus splice site. In summary, the currently available evidence indicates that the variant is pathogenic, but additional data are needed to prove that conclusively. Therefore, this variant has been classified as Likely Pathogenic.

Revvity Omics, Revvity
Classification: Pathogenic for Nijmegen breakage syndrome-like disorder. Last evaluated: 2019-04-26. Review status: criteria provided, single submitter. Criteria: ACMG Guidelines, 2015. Collection method: clinical testing. Allele origin: germline.

Literature cited by the submitters: PubMed 16199547 (cited by Labcorp Genetics (formerly Invitae), Labcorp); PubMed 19409520 (cited by Labcorp Genetics (formerly Invitae), Labcorp).

NM_005732.4(RAD50):c.3475+2T>C

Genes: TH2-LCR (Th2 cytokine locus control region; plus strand), TH2LCRR (T helper type 2 locus control region associated RNA; minus strand), RAD50 (RAD50 double strand break repair protein; plus strand). Cytogenetic location: 5q31.1.
Variant type: single nucleotide variant.
Coding change: c.3475+2T>C on transcript NM_005732.4 (MANE Select); the canonical splice donor site of the intron after coding-DNA position 3475, T replaced by C.
Molecular consequence: splice donor variant.
Genome position (GRCh38, 1-based): chr5:132,637,202, T>C. VCF-style: chr5-132637202-T-C. GRCh37 (hg19) VCF-style: chr5-131972894-T-C.
Identifiers: ClinVar variation 232444 (VCV000232444.17), dbSNP rs761168506, ClinGen allele CA3405580.